The following is an entry in ClinVar:

NM_006017.3(PROM1):c.2050C>G (p.Arg684Gly)

Gene: PROM1 (prominin 1; minus strand). Cytogenetic location: 4p15.32.
Variant type: single nucleotide variant.
Coding change: c.2050C>G on transcript NM_006017.3 (MANE Select); coding-DNA position 2050, C replaced by G.
Protein change: p.Arg684Gly; replaces arginine 684 with glycine.
Molecular consequence: missense variant.
Genome position (GRCh38, 1-based): chr4:15,989,758, G>C on the plus strand (C>G on the coding strand, the complement: PROM1 is on the minus strand). VCF-style: chr4-15989758-G-C. GRCh37 (hg19) VCF-style: chr4-15991381-G-C.
Other names: c.2023C>G, p.Arg675Gly (NM_001145847.2, NM_001145848.2, NM_001145851.2 and 4 more transcripts); c.2050C>G, p.Arg684Gly (NM_001145849.2, NM_001145850.2); short protein forms R675G, R684G.
Identifiers: ClinVar variation 902565 (VCV000902565.10), dbSNP rs530749007, ClinGen allele CA92579400.

ClinVar aggregate classification (germline): Uncertain significance. Review status: criteria provided, multiple submitters, no conflicts (2 of 4 stars). 7 submissions from 4 submitters: Uncertain significance (7). Last evaluated 2026-06-25.

Conditions:
Stargardt disease 4 (STGD4). Identifiers: Orphanet 827, MedGen C1863534, MONDO:0011370, OMIM 603786.
PROM1-related disorder. Also called: PROM1-related disorders; PROM1-related condition.
Retinitis pigmentosa (RP). Identifiers: Orphanet 791, MedGen C0035334, MeSH D012174, MONDO:0019200, OMIM 268000. Inheritance: Autosomal dominant, autosomal recessive and X linked inheritance.
Cone-rod dystrophy 12 (CORD12). Identifiers: Orphanet 1872, MedGen C2675210, MONDO:0012983, OMIM 612657.
Retinal macular dystrophy type 2 (MCDR2). Also called: Bull's eye macular dystrophy. Identifiers: Orphanet 319640, MedGen C4749334, MONDO:0011957, OMIM 608051.

Allele frequency attached by ClinVar (database versions not stated): TOPMed 0.00001.
gnomAD v4.1: 6 of 1,608,486 alleles (0.00037%); highest among the groups gnomAD compares: Admixed American, 0.005%; no homozygotes.

Submissions (7):

PreventionGenetics, part of Exact Sciences
Classification: Uncertain significance for PROM1-related condition. Last evaluated: 2026-06-25. Review status: criteria provided, single submitter. Criteria: ACMG Guidelines, 2015. Collection method: clinical testing. Allele origin: germline.
Comment: The PROM1 c.2050C>G variant is predicted to result in the amino acid substitution p.Arg684Gly. To our knowledge, this variant has not been reported in the literature. This variant is reported in 0.0030% of alleles in individuals of Latino descent in gnomAD. At this time, the clinical significance of this variant is uncertain due to the absence of conclusive functional and genetic evidence.

Blueprint Genetics
Classification: Uncertain significance. Last evaluated: 2024-01-15. Review status: criteria provided, single submitter. Criteria: ACMG Guidelines, 2015. Collection method: clinical testing. Allele origin: germline.

Labcorp Genetics (formerly Invitae), Labcorp
Classification: Uncertain significance. Last evaluated: 2022-12-20. Review status: criteria provided, single submitter. Criteria: Invitae Variant Classification Sherloc (09022015). Collection method: clinical testing. Allele origin: germline.
Comment: This sequence change replaces arginine, which is basic and polar, with glycine, which is neutral and non-polar, at codon 684 of the PROM1 protein (p.Arg684Gly). This variant is present in population databases (no rsID available, gnomAD 0.003%). This variant has not been reported in the literature in individuals affected with PROM1-related conditions. ClinVar contains an entry for this variant (Variation ID: 902565). Advanced modeling of protein sequence and biophysical properties (such as structural, functional, and spatial information, amino acid conservation, physicochemical variation, residue mobility, and thermodynamic stability) performed at Invitae indicates that this missense variant is not expected to disrupt PROM1 protein function. In summary, the available evidence is currently insufficient to determine the role of this variant in disease. Therefore, it has been classified as a Variant of Uncertain Significance.

Illumina Laboratory Services, Illumina
Classification: Uncertain significance for Stargardt disease 4. Last evaluated: 2018-01-13. Review status: criteria provided, single submitter. Criteria: ICSL Variant Classification Criteria 13 December 2019. Collection method: clinical testing. Allele origin: germline.

Illumina Laboratory Services, Illumina
Classification: Uncertain significance for Retinal macular dystrophy type 2. Last evaluated: 2018-01-13. Review status: criteria provided, single submitter. Criteria: ICSL Variant Classification Criteria 13 December 2019. Collection method: clinical testing. Allele origin: germline.

Illumina Laboratory Services, Illumina
Classification: Uncertain significance for Retinitis pigmentosa. Last evaluated: 2018-01-13. Review status: criteria provided, single submitter. Criteria: ICSL Variant Classification Criteria 13 December 2019. Collection method: clinical testing. Allele origin: germline.

Illumina Laboratory Services, Illumina
Classification: Uncertain significance for Cone-rod dystrophy 12. Last evaluated: 2018-01-13. Review status: criteria provided, single submitter. Criteria: ICSL Variant Classification Criteria 13 December 2019. Collection method: clinical testing. Allele origin: germline.